The following is an entry in ClinVar:

NM_138694.4(PKHD1):c.2725C>T (p.Arg909Ter)

Gene: PKHD1 (PKHD1 ciliary IPT domain containing fibrocystin/polyductin; minus strand). Cytogenetic location: 6p12.2.
Variant type: single nucleotide variant.
Coding change: c.2725C>T on transcript NM_138694.4 (MANE Select); coding-DNA position 2725, C replaced by T.
Protein change: p.Arg909Ter; replaces arginine 909 with a stop codon.
Molecular consequence: nonsense.
Genome position (GRCh38, 1-based): chr6:52,043,721, G>A on the plus strand (C>T on the coding strand, the complement: PKHD1 is on the minus strand). VCF-style: chr6-52043721-G-A. GRCh37 (hg19) VCF-style: chr6-51908519-G-A.
Other names: c.2725C>T (NM_170724.2); c.2725C>T, p.Arg909Ter (NM_170724.3); short protein forms R909*.
Identifiers: ClinVar variation 167491 (VCV000167491.37), dbSNP rs727504089, ClinGen allele CA234576.
Genomic context (GRCh38, chr6:52,043,721, plus strand): 5'-ACCCTTGGAGGTACTGGAAAGAGCAGGAACCTGGGCAATGAGCTGGTACATCATTCACTC[G>A]CACAACCACCTGAAATGAGGCAAAATTTCTTTTCCATTTTATGCATTTCATATCTACCAG-3'

ClinVar aggregate classification (germline): Pathogenic. Review status: criteria provided, multiple submitters, no conflicts (2 of 4 stars). 13 submissions from 13 submitters: Pathogenic (13). Last evaluated 2025-08-29.

Conditions:
Polycystic kidney disease 4 (PKD4). Also called: PKD3; Autosomal Recessive Polycystic Kidney Disease – PKHD1; POLYCYSTIC KIDNEY AND HEPATIC DISEASE 1; POLYCYSTIC KIDNEY DISEASE, INFANTILE, TYPE I; POLYCYSTIC KIDNEY DISEASE 4 WITH OR WITHOUT POLYCYSTIC LIVER DISEASE. Identifiers: MedGen C4540575, MONDO:0033004, OMIM 263200.
PKHD1-related disorder. Also called: PKHD1-related condition.
Autosomal recessive polycystic kidney disease (ARPKD). Also called: AR polycystic kidney disease. Identifiers: Orphanet 731, Orphanet 8378, MedGen C0085548, MeSH D017044, MONDO:0009889.

Allele frequency attached by ClinVar (database versions not stated): gnomAD 0.00001.
gnomAD v4.1: 9 of 1,612,852 alleles (0.00056%); highest among the groups gnomAD compares: East Asian, 0.0022%; no homozygotes.

Submissions (13):

PreventionGenetics, part of Exact Sciences
Classification: Pathogenic for PKHD1-related condition. Last evaluated: 2025-08-29. Review status: criteria provided, single submitter. Criteria: ACMG Guidelines, 2015. Collection method: clinical testing. Allele origin: germline.
Comment: The PKHD1 c.2725C>T variant is predicted to result in premature protein termination (p.Arg909*). This variant has been reported to be pathogenic for autosomal recessive polycystic kidney disease (ARPKD) (see for example, Liang et al. 2019. PubMed ID: 31730820). This variant has not been reported in a large population database (gnomAD), indicating this variant is rare. Nonsense variants in PKHD1 are expected to be pathogenic. This variant is interpreted as pathogenic.

Natera, Inc.
Classification: Pathogenic for Autosomal recessive polycystic kidney disease. Last evaluated: 2025-07-22. Review status: criteria provided, single submitter. Criteria: Natera Variant Classification Schema (03/2026). Collection method: clinical testing. Allele origin: germline.
Comment: The c.2725C>T variant in PKHD1 is a nonsense variant predicted to introduce a stop codon at amino acid 909. This variant is expected to result in nonsense mediated decay, truncation, or a dysfunctional protein product. This variant is rare in the general population with a frequency below the threshold expected for the associated phenotype(s). This variant has been observed in one or more individuals affected with the associated recessive disease, as either homozygous or compound heterozygous with a second variant (PMID: 31730820, 34536170). Given the available evidence, this variant is classified as Pathogenic.

Fulgent Genetics
Classification: Pathogenic for Polycystic kidney disease 4. Last evaluated: 2024-04-01. Review status: criteria provided, single submitter. Criteria: ACMG Guidelines, 2015. Collection method: clinical testing. Allele origin: germline.

Labcorp Genetics (formerly Invitae), Labcorp
Classification: Pathogenic for Autosomal recessive polycystic kidney disease. Last evaluated: 2024-01-19. Review status: criteria provided, single submitter. Criteria: Invitae Variant Classification Sherloc (09022015). Collection method: clinical testing. Allele origin: germline.
Comment: This sequence change creates a premature translational stop signal (p.Arg909*) in the PKHD1 gene. It is expected to result in an absent or disrupted protein product. Loss-of-function variants in PKHD1 are known to be pathogenic (PMID: 19940839). This variant is not present in population databases (gnomAD no frequency). This variant has not been reported in the literature in individuals affected with PKHD1-related conditions. ClinVar contains an entry for this variant (Variation ID: 167491). For these reasons, this variant has been classified as Pathogenic.

Blueprint Genetics
Classification: Pathogenic for PKHD1-related disorders. Last evaluated: 2024-01-10. Review status: criteria provided, single submitter. Criteria: ACMG Guidelines, 2015. Collection method: clinical testing. Allele origin: germline. Affected: yes. Observed: 4 variant alleles.

Women's Health and Genetics/Laboratory Corporation of America, LabCorp
Classification: Pathogenic for Autosomal recessive polycystic kidney disease. Last evaluated: 2023-02-16. Review status: criteria provided, single submitter. Criteria: LabCorp Variant Classification Summary - May 2015. Collection method: clinical testing. Allele origin: germline.
Comment: Variant summary: PKHD1 c.2725C>T (p.Arg909X) results in a premature termination codon, predicted to cause a truncation of the encoded protein or absence of the protein due to nonsense mediated decay, which are commonly known mechanisms for disease. Truncations downstream of this position have been classified as pathogenic by our laboratory. The variant was absent in 251142 control chromosomes (gnomAD). c.2725C>T has been reported in the literature in individuals affected with Polycystic Kidney And Hepatic Disease (examples: Liang_2020, Obeidova_2020, Ajiri_2022,Ishiko_2022). These data indicate that the variant is likely to be associated with disease. Five clinical diagnostic laboratories have submitted clinical-significance assessments for this variant to ClinVar after 2014 and all laboratories classified the variant as pathogenic. Based on the evidence outlined above, the variant was classified as pathogenic.

GeneDx
Classification: Pathogenic. Last evaluated: 2022-11-28. Review status: criteria provided, single submitter. Criteria: GeneDx Variant Classification Process June 2021. Collection method: clinical testing. Allele origin: germline. Affected: yes.
Comment: Nonsense variant predicted to result in protein truncation or nonsense mediated decay in a gene for which loss-of-function is a known mechanism of disease; Not observed in large population cohorts (gnomAD); This variant is associated with the following publications: (PMID: 32574212, 31730820)

Department of Pathology and Laboratory Medicine, Sinai Health System
Classification: Pathogenic for Polycystic kidney disease 4. Last evaluated: 2022-03-14. Review status: criteria provided, single submitter. Criteria: ACMG Guidelines, 2015. Collection method: clinical testing. Allele origin: germline. Affected: yes.

Myriad Genetics, Inc.
Classification: Pathogenic for Polycystic kidney disease 4. Last evaluated: 2021-11-10. Review status: criteria provided, single submitter. Criteria: Myriad Women's Health Autosomal Recessive and X-Linked Classification Criteria (2021). Collection method: clinical testing. Allele origin: unknown.
Comment: NM_138694.3(PKHD1):c.2725C>T(R909*) is a nonsense variant classified as pathogenic in the context of autosomal recessive polycystic kidney disease, PKHD1-related. R909* has been observed in cases with relevant disease (PMID: 31730820, 32574212). Functional assessments of this variant are not available in the literature. R909* has not been observed in population frequency databases. In summary, NM_138694.3(PKHD1):c.2725C>T(R909*) is a nonsense variant in a gene where loss of function is a known mechanism of disease, is predicted to disrupt protein function, and has been observed more frequently in cases with the relevant disease than in healthy populations. Please note: this variant was assessed in the context of healthy population screening.

Revvity Omics, Revvity
Classification: Pathogenic for Polycystic kidney disease 4. Last evaluated: 2020-08-06. Review status: criteria provided, single submitter. Criteria: ACMG Guidelines, 2015. Collection method: clinical testing. Allele origin: germline.

Eurofins Ntd Llc (ga)
Classification: Pathogenic. Last evaluated: 2013-12-13. Review status: criteria provided, single submitter. Criteria: EGL Classification Definitions. Collection method: clinical testing. Allele origin: germline. Observed: 1 variant allele, 1 heterozygote.

Baylor Genetics
Classification: Pathogenic for Polycystic kidney disease 4. Review status: criteria provided, single submitter. Criteria: ACMG Guidelines, 2015. Collection method: clinical testing. Allele origin: germline.

Juno Genomics, Hangzhou Juno Genomics, Inc
Classification: Pathogenic for Polycystic kidney disease 4. Review status: criteria provided, single submitter. Criteria: ACMG Guidelines, 2015. Collection method: clinical testing. Allele origin: germline.
Comment: Absent from controls (or at extremely low frequency if recessive) in Genome Aggregation Database.;Null variant in a gene where loss of function (LOF) is a known mechanism of disease.;For recessive disorders, detected in trans with a pathogenic variant.;Patient's phenotype or family history is highly specific for a disease with a single genetic etiology.

Literature cited by the submitters: PubMed 31730820 (cited by 3 submitters); PubMed 34536170 (cited by Natera, Inc. and Women's Health and Genetics/Laboratory Corporation of America, LabCorp); PubMed 19940839 (cited by Labcorp Genetics (formerly Invitae), Labcorp); PubMed 35812281 (cited by Women's Health and Genetics/Laboratory Corporation of America, LabCorp); PubMed 32574212 (cited by 3 submitters).